The following is an entry in ClinVar:

NM_032802.4(SPPL2A):c.761T>C (p.Ile254Thr)

Gene: SPPL2A (signal peptide peptidase like 2A; minus strand). Cytogenetic location: 15q21.2.
Variant type: single nucleotide variant.
Coding change: c.761T>C on transcript NM_032802.4 (MANE Select); coding-DNA position 761, T replaced by C.
Protein change: p.Ile254Thr; replaces isoleucine 254 with threonine.
Molecular consequence: missense variant.
Genome position (GRCh38, 1-based): chr15:50,736,713, A>G on the plus strand (T>C on the coding strand, the complement: SPPL2A is on the minus strand). VCF-style: chr15-50736713-A-G. GRCh37 (hg19) VCF-style: chr15-51028910-A-G.
Other names: c.761T>C, p.Ile254Thr (NM_001438111.1, NM_001438112.1); short protein forms I254T.
Identifiers: ClinVar variation 4712985 (VCV004712985.1).

ClinVar aggregate classification (germline): Uncertain significance (1 of 4 stars; one submission).

Submission:

Labcorp Genetics (formerly Invitae), Labcorp
Classification: Uncertain significance. Last evaluated: 2025-02-18. Review status: criteria provided, single submitter. Criteria: Invitae Variant Classification Sherloc (09022015). Collection method: clinical testing. Allele origin: germline.
Comment: This sequence change replaces isoleucine, which is neutral and non-polar, with threonine, which is neutral and polar, at codon 254 of the SPPL2A protein (p.Ile254Thr). This variant is not present in population databases (gnomAD no frequency). This variant has not been reported in the literature in individuals affected with SPPL2A-related conditions. An algorithm developed to predict the effect of missense changes on protein structure and function (PolyPhen-2) suggests that this variant is likely to be disruptive. In summary, the available evidence is currently insufficient to determine the role of this variant in disease. Therefore, it has been classified as a Variant of Uncertain Significance.